The following is an entry in ClinVar:

NM_006506.5(RASA2):c.2330-2A>G

Gene: RASA2 (RAS p21 protein activator 2; plus strand). Cytogenetic location: 3q23.
Variant type: single nucleotide variant.
Coding change: c.2330-2A>G on transcript NM_006506.5 (MANE Select); the canonical splice acceptor site of the intron before coding-DNA position 2330, A replaced by G.
Molecular consequence: splice acceptor variant.
Genome position (GRCh38, 1-based): chr3:141,609,875, A>G. VCF-style: chr3-141609875-A-G. GRCh37 (hg19) VCF-style: chr3-141328717-A-G.
Other names: c.2333-2A>G (NM_001303245.3); c.2342-2A>G (NM_001303246.3).
Identifiers: ClinVar variation 2573551 (VCV002573551.1), dbSNP rs1261985519, ClinGen allele CA354776971.
Genomic context (GRCh38, chr3:141,609,875, plus strand): 5'-TACATATTGCATTTATAGAATTTAGTTGTCTGATCAGAGATTTATTTTCCTGCTCTTTGT[A>G]GAGGCTTGTGGAACTATTGCAGTCTATCAAGGACCACAGAAAGAGCCTGATGATTATTCT-3'

ClinVar aggregate classification (germline): Uncertain significance (1 of 4 stars; one submission).

Allele frequency attached by ClinVar (database versions not stated): gnomAD exomes 0.00001; TOPMed 0.00002; gnomAD 0.00004.
gnomAD v4.1: 13 of 1,550,044 alleles (0.00084%); highest among the groups gnomAD compares: Admixed American, 0.026%; no homozygotes.

Submission:

Women's Health and Genetics/Laboratory Corporation of America, LabCorp
Classification: Uncertain significance. Last evaluated: 2023-06-19. Review status: criteria provided, single submitter. Criteria: LabCorp Variant Classification Summary - May 2015. Collection method: clinical testing. Allele origin: germline.
Comment: Variant summary: RASA2 c.2330-2A>G is located in a canonical splice-site and is predicted to affect mRNA splicing resulting in a significantly altered protein due to either exon skipping, shortening, or inclusion of intronic material. Several computational tools predict a significant impact on normal splicing: Four predict the variant abolishes a 3' acceptor site. However, these predictions have yet to be confirmed by functional studies. The variant allele was found at a frequency of 2.9e-05 in 205178 control chromosomes. The available data on variant occurrences in the general population are insufficient to allow any conclusion about variant significance. To our knowledge, no occurrence of c.2330-2A>G in individuals affected with Noonan Syndrome and no experimental evidence demonstrating its impact on protein function have been reported. No clinical diagnostic laboratories have submitted clinical-significance assessments for this variant to ClinVar after 2014. Based on the evidence outlined above and since loss of function is not established as a mechanism of disease for this gene, the variant was classified as uncertain significance.